The following is an entry in ClinVar:

ClinVar aggregate classification (germline): Uncertain significance (1 of 4 stars; one submission).

Conditions:
LEPR-related disorder. Also called: LEPR-related condition; LEPR-related disorders.

gnomAD v4.1: 8 of 1,613,822 alleles (0.0005%); highest among the groups gnomAD compares: Non-Finnish European, 0.00068%; no homozygotes.

Submission:

PreventionGenetics, part of Exact Sciences
Classification: Uncertain significance for LEPR-related condition. Last evaluated: 2024-12-27. Review status: criteria provided, single submitter. Criteria: ACMG Guidelines, 2015. Collection method: clinical testing. Allele origin: germline.
Comment: The LEPR c.241A>G variant is predicted to result in the amino acid substitution p.Asn81Asp. To our knowledge, this variant has not been reported in the literature. This variant is reported in 0.00088% of alleles in individuals of European (Non-Finnish) descent in gnomAD. At this time, the clinical significance of this variant is uncertain due to the absence of conclusive functional and genetic evidence.

NM_002303.6(LEPR):c.241A>G (p.Asn81Asp)

Gene: LEPR (leptin receptor; plus strand). Cytogenetic location: 1p31.3.
Variant type: single nucleotide variant.
Coding change: c.241A>G on transcript NM_002303.6 (MANE Select); coding-DNA position 241, A replaced by G.
Protein change: p.Asn81Asp; replaces asparagine 81 with aspartic acid.
Molecular consequence: missense variant.
Genome position (GRCh38, 1-based): chr1:65,570,673, A>G. VCF-style: chr1-65570673-A-G. GRCh37 (hg19) VCF-style: chr1-66036356-A-G.
Other names: c.241A>G, p.Asn81Asp (NM_001003679.3, NM_001003680.3, NM_001198687.2 and 2 more transcripts); short protein forms N81D.
Identifiers: ClinVar variation 4982580 (VCV004982580.1).